The following is an entry in ClinVar:

ClinVar aggregate classification (germline): Uncertain significance (1 of 4 stars; one submission).

Submission:

GeneDx
Classification: Uncertain significance. Last evaluated: 2022-06-26. Review status: criteria provided, single submitter. Criteria: GeneDx Variant Classification Process June 2021. Collection method: clinical testing. Allele origin: germline. Affected: yes.
Comment: Not observed at significant frequency in large population cohorts (gnomAD); In-frame deletion of one amino acid in a non-repeat region; In silico analysis supports a deleterious effect on protein structure/function; Has not been previously published as pathogenic or benign to our knowledge

NM_182961.4(SYNE1):c.17893CAG[1] (p.Gln5966del)

Gene: SYNE1 (spectrin repeat containing nuclear envelope protein 1; minus strand). Cytogenetic location: 6q25.2.
Variant type: Microsatellite.
Coding change: c.17893CAG[1] on transcript NM_182961.4 (MANE Select); one copy of the 3-base unit CAG starting at c.17893; the reference has two copies in a row; one copy, 3 bases deleted.
Protein change: p.Gln5966del; deletes glutamine 5966.
Molecular consequence: inframe deletion. On other transcripts: inframe indel (2).
Genome position (GRCh38, 1-based): chr6:152,293,702-152,293,704, CTG deleted on the plus strand (CAG on the coding strand, the reverse complement: SYNE1 is on the minus strand); deleting any 3 consecutive bases within chr6:152,293,702-152,293,707 gives the same sequence; the position shown is the placement nearest the transcript's 3' end. VCF-style (leftmost placement, unchanged base first): chr6-152293701-TCTG-T. GRCh37 (hg19) VCF-style: chr6-152614836-TCTG-T.
Other names: c.17680_17682CAG[1], p.Gln5895del (NM_033071.3); c.17680CAG[1], p.Gln5895del (NM_033071.5); c.17683_17685del (NM_033071.3); short protein forms Q5895del, Q5966del.
Identifiers: ClinVar variation 1809830 (VCV001809830.1), dbSNP rs2552071290, ClinGen allele CA2580615798.